The following is an entry in ClinVar:

NM_000540.3(RYR1):c.13999-42_13999-28del

Gene: RYR1 (ryanodine receptor 1; plus strand). Cytogenetic location: 19q13.2.
Variant type: Deletion.
Coding change: c.13999-42_13999-28del on transcript NM_000540.3 (MANE Select); 42 bases into the intron before coding-DNA position 13999 through 28 bases into the intron before coding-DNA position 13999, 15 bases deleted (AAGGTGCCTGACGCC).
Molecular consequence: intron variant.
Genome position (GRCh38, 1-based): chr19:38,573,135-38,573,149, AAGGTGCCTGACGCC deleted; deleting any 15 consecutive bases within chr19:38,573,132-38,573,149 gives the same sequence; the c. name uses the placement nearest the transcript's 3' end. VCF-style (leftmost placement, unchanged base first): chr19-38573131-AGCCAAGGTGCCTGAC-A. GRCh37 (hg19) VCF-style: chr19-39063771-AGCCAAGGTGCCTGAC-A.
Other names: c.13984-42_13984-28del (NM_001042723.2).
Identifiers: ClinVar variation 4989525 (VCV004989525.1).

ClinVar aggregate classification (germline): Likely benign (1 of 4 stars; one submission).

Conditions:
RYR1-related disorder. Also called: RYR1-related disorders; RYR1-related condition. Identifiers: MedGen CN239331.

Submission:

PreventionGenetics, part of Exact Sciences
Classification: Likely benign for RYR1-related condition. Last evaluated: 2025-05-14. Review status: criteria provided, single submitter. Criteria: ACMG Guidelines, 2015. Collection method: clinical testing. Allele origin: germline.
Comment: This variant is classified as likely benign based on ACMG/AMP sequence variant interpretation guidelines (Richards et al. 2015 PMID: 25741868, with internal and published modifications).